The following is an entry in ClinVar:

NM_000352.6(ABCC8):c.4450G>A (p.Gly1484Arg)

Gene: ABCC8 (ATP binding cassette subfamily C member 8; minus strand). Cytogenetic location: 11p15.1.
Variant type: single nucleotide variant.
Coding change: c.4450G>A on transcript NM_000352.6 (MANE Select); coding-DNA position 4450, G replaced by A.
Protein change: p.Gly1484Arg; replaces glycine 1484 with arginine.
Molecular consequence: missense variant. On other transcripts: non-coding transcript variant (1).
Genome position (GRCh38, 1-based): chr11:17,394,361, C>T on the plus strand (G>A on the coding strand, the complement: ABCC8 is on the minus strand). VCF-style: chr11-17394361-C-T. GRCh37 (hg19) VCF-style: chr11-17415908-C-T.
Other names: c.4453G>A, p.Gly1485Arg (NM_001287174.3); c.4516G>A, p.Gly1506Arg (NM_001351295.2); c.4450G>A, p.Gly1484Arg (NM_001351296.2); c.4447G>A, p.Gly1483Arg (NM_001351297.2); short protein forms G1484R, G1485R, G1483R, G1506R.
Identifiers: ClinVar variation 434044 (VCV000434044.7), dbSNP rs1554904102, ClinGen allele CA379783478.

ClinVar aggregate classification (germline): Conflicting classifications of pathogenicity. Review status: criteria provided, conflicting classifications (1 of 4 stars). 3 submissions from 2 submitters: Pathogenic (1); Uncertain significance (2). Last evaluated 2016-02-11.

Conditions:
Hyperinsulinemic hypoglycemia, familial, 1 (HHF1). Also called: Persistent hyperinsulinemic hypoglycemia of infancy; Persistent Hyperinsulinemia Hypoglycemia of Infancy; HYPERINSULINISM, FAMILIAL, WITH PANCREATIC NESIDIOBLASTOSIS; HYPOGLYCEMIA, HYPERINSULINEMIC, OF INFANCY; NESIDIOBLASTOSIS OF PANCREAS. Identifiers: Orphanet 276575, Orphanet 276598, MedGen C2931832, MONDO:0009734, OMIM 256450.
Maturity-onset diabetes of the young (MODY). Also called: Maturity onset diabetes mellitus in young. Identifiers: Orphanet 552, MedGen C0342276, MONDO:0018911, HP:0004904.
Transitory neonatal diabetes mellitus. Also called: Transient neonatal diabetes mellitus. Identifiers: MedGen C0342273, MONDO:0020525, HP:0008255.

Submissions (3):

Genetic Services Laboratory, University of Chicago
Classification: Pathogenic for Hyperinsulinemic hypoglycemia, familial, 1. Last evaluated: 2016-02-11. Review status: criteria provided, single submitter. Criteria: ACMG Guidelines, 2015. Collection method: clinical testing. Allele origin: germline. Affected: yes.

Clinical Genomics, Uppaluri K&H Personalized Medicine Clinic
Classification: Uncertain significance for Transitory neonatal diabetes mellitus. Review status: criteria provided, single submitter. Criteria: K & H Uppaluri Personalized Medicine Clinic Variant Classification & Assertion Criteria_Updated V.1. Collection method: research. Allele origin: somatic. Inheritance: Somatic mutation.
Comment: Mutations in ABCC8 gene are associated with both neonatal diabetes mellitus as well as MODY. Patients with this mutation may have a better response to sulfonylureas. However, no sufficient evidence is found to ascertain the role of this particular variant ( rs1554904102 ) in neonatal diabetes yet.

Clinical Genomics, Uppaluri K&H Personalized Medicine Clinic
Classification: Uncertain significance for Maturity-onset diabetes of the young. Review status: criteria provided, single submitter. Criteria: K & H Uppaluri Personalized Medicine Clinic Variant Classification & Assertion Criteria_Updated V.1. Collection method: research. Allele origin: somatic. Inheritance: Somatic mutation.
Comment: Mutations in ABCC8 gene are associated with both neonatal diabetes mellitus as well as MODY. Patients with this mutation may have a better response to sulfonylureas. However, no sufficient evidence is found to ascertain the role of this particular variant ( rs1554904102) in MODY yet.

Literature cited by the submitters: PubMed 16885549 (cited by Clinical Genomics, Uppaluri K&H Personalized Medicine Clinic); PubMed 21989597 (cited by Clinical Genomics, Uppaluri K&H Personalized Medicine Clinic); PubMed 27538677 (cited by Clinical Genomics, Uppaluri K&H Personalized Medicine Clinic); PubMed 18981553 (cited by Clinical Genomics, Uppaluri K&H Personalized Medicine Clinic); PubMed 32027066 (cited by Clinical Genomics, Uppaluri K&H Personalized Medicine Clinic); PubMed 16613899 (cited by Clinical Genomics, Uppaluri K&H Personalized Medicine Clinic); PubMed 18025408 (cited by Clinical Genomics, Uppaluri K&H Personalized Medicine Clinic); PubMed 32792356 (cited by Clinical Genomics, Uppaluri K&H Personalized Medicine Clinic).